The following is an entry in ClinVar:

NM_000552.5(VWF):c.1078G>A (p.Gly360Ser)

Gene: VWF (von Willebrand factor; minus strand). Cytogenetic location: 12p13.31.
Variant type: single nucleotide variant.
Coding change: c.1078G>A on transcript NM_000552.5 (MANE Select); coding-DNA position 1078, G replaced by A.
Protein change: p.Gly360Ser; replaces glycine 360 with serine.
Molecular consequence: missense variant.
Genome position (GRCh38, 1-based): chr12:6,072,362, C>T on the plus strand (G>A on the coding strand, the complement: VWF is on the minus strand). VCF-style: chr12-6072362-C-T. GRCh37 (hg19) VCF-style: chr12-6181528-C-T.
Other names: short protein forms G360S.
Identifiers: ClinVar variation 3366555 (VCV003366555.1).

ClinVar aggregate classification (germline): Uncertain significance (1 of 4 stars; one submission).

Submission:

Women's Health and Genetics/Laboratory Corporation of America, LabCorp
Classification: Uncertain significance. Last evaluated: 2024-08-01. Review status: criteria provided, single submitter. Criteria: LabCorp Variant Classification Summary - May 2015. Collection method: clinical testing. Allele origin: germline.
Comment: Variant summary: VWF c.1078G>A (p.Gly360Ser) results in a non-conservative amino acid change located in the VWFC domain (IPR001007) of the encoded protein sequence. Five of five in-silico tools predict a damaging effect of the variant on protein function. The variant allele was found at a frequency of 0.00011 in 251328 control chromosomes (gnomAD). This frequency is not significantly higher than estimated for a pathogenic variant in VWF causing Von Willebrand Disease, allowing no conclusion about variant significance. c.1078G>A has been reported in the literature in an individual affected with Von Willebrand Disease without strong evidence of causality (Manderstedt_2018). This report does not provide unequivocal conclusions about association of the variant with Von Willebrand Disease. To our knowledge, no experimental evidence demonstrating an impact on protein function has been reported. The following publication has been ascertained in the context of this evaluation (PMID: 31249928). No submitters have cited clinical-significance assessments for this variant to ClinVar. Based on the evidence outlined above, the variant was classified as uncertain significance.

Literature cited by the submitters: PubMed 31249928.